The following is an entry in ClinVar:

ClinVar aggregate classification (germline): Uncertain significance. Review status: criteria provided, multiple submitters, no conflicts (2 of 4 stars). 2 submissions from 2 submitters: Uncertain significance (2). Last evaluated 2023-07-06.

Conditions:
Hereditary cancer-predisposing syndrome. Also called: Tumor predisposition; Hereditary Cancer Syndrome; Hereditary neoplastic syndrome; Neoplastic Syndromes, Hereditary. Identifiers: Orphanet 140162, MedGen C0027672, MeSH D009386, MONDO:0015356.

Submissions (2):

Ambry Genetics
Classification: Uncertain significance for Hereditary cancer-predisposing syndrome. Last evaluated: 2023-07-06. Review status: criteria provided, single submitter. Criteria: Ambry Variant Classification Scheme 2023. Collection method: clinical testing. Allele origin: germline.
Comment: The p.E284G variant (also known as c.851A>G), located in coding exon 10 of the BAP1 gene, results from an A to G substitution at nucleotide position 851. The glutamic acid at codon 284 is replaced by glycine, an amino acid with similar properties. This variant was identified in a proband with renal cell carcinoma (Gossage L et al. Genes Chromosomes Cancer, 2014 Jan;53:38-51), This amino acid position is well conserved in available vertebrate species. In addition, this alteration is predicted to be tolerated by in silico analysis. Since supporting evidence is limited at this time, the clinical significance of this alteration remains unclear.

Color Diagnostics, LLC DBA Color Health
Classification: Uncertain significance for Hereditary cancer-predisposing syndrome. Last evaluated: 2022-03-01. Review status: criteria provided, single submitter. Criteria: ACMG Guidelines, 2015. Collection method: clinical testing. Allele origin: germline.
Comment: This missense variant replaces glutamic acid with glycine at codon 284 of the BAP1 protein. Computational prediction suggests that this variant may not impact protein structure and function (internally defined REVEL score threshold <= 0.5, PMID: 27666373). To our knowledge, functional studies have not been reported for this variant. This variant has not been reported in individuals affected with hereditary cancer in the literature. This variant has not been identified in the general population by the Genome Aggregation Database (gnomAD). The available evidence is insufficient to determine the role of this variant in disease conclusively. Therefore, this variant is classified as a Variant of Uncertain Significance.

Literature cited by the submitters: PubMed 24166983 (cited by Ambry Genetics).

NM_004656.4(BAP1):c.851A>G (p.Glu284Gly)

Gene: BAP1 (BRCA1 associated deubiquitinase 1; minus strand). Cytogenetic location: 3p21.1.
Variant type: single nucleotide variant.
Coding change: c.851A>G on transcript NM_004656.4 (MANE Select); coding-DNA position 851, A replaced by G.
Protein change: p.Glu284Gly; replaces glutamic acid 284 with glycine.
Molecular consequence: missense variant.
Genome position (GRCh38, 1-based): chr3:52,405,845, T>C on the plus strand (A>G on the coding strand, the complement: BAP1 is on the minus strand). VCF-style: chr3-52405845-T-C. GRCh37 (hg19) VCF-style: chr3-52439861-T-C.
Other names: c.797A>G, p.Glu266Gly (NM_001410772.1); short protein forms E284G, E266G.
Identifiers: ClinVar variation 2626729 (VCV002626729.4), dbSNP rs2153227252, ClinGen allele CA353106758.